The following is an entry in ClinVar:

NM_003628.6(PKP4):c.2152G>T (p.Val718Leu)

Genes: PKP4-AS1 (PKP4 antisense RNA 1; minus strand), PKP4 (plakophilin 4; plus strand). Cytogenetic location: 2q24.1.
Variant type: single nucleotide variant.
Coding change: c.2152G>T on transcript NM_003628.6 (MANE Select); coding-DNA position 2152, G replaced by T.
Protein change: p.Val718Leu; replaces valine 718 with leucine.
Molecular consequence: missense variant. On other transcripts: non-coding transcript variant (1).
Genome position (GRCh38, 1-based): chr2:158,661,391, G>T. VCF-style: chr2-158661391-G-T. GRCh37 (hg19) VCF-style: chr2-159517903-G-T.
Other names: c.2152G>T, p.Val718Leu (NM_001005476.4, NM_001304971.2, NM_001377218.1 and 1 more transcripts); c.2149G>T, p.Val717Leu (NM_001304969.3, NM_001377219.1, NM_001377220.1 and 2 more transcripts); c.1123G>T, p.Val375Leu (NM_001304970.3); c.2146G>T, p.Val716Leu (NM_001377222.1, NM_001377223.1); c.2143G>T, p.Val715Leu (NM_001377224.1); short protein forms V375L, V715L, V718L, V716L, V717L.
Identifiers: ClinVar variation 4825846 (VCV004825846.1).
Genomic context (GRCh38, chr2:158,661,391, plus strand): 5'-AGGAACCTCAGCTCCGCGGGGGAAGAAGCTCGGAAGCAAATGCGGTCCTGCGAGGGGCTG[G>T]TAGACTCACTGTTGTATGTGATCCACACGTGTGTGAACACATCCGATTACGACAGCAAGG-3'
Protein context (NP_003619.2, residues 708-728): RKQMRSCEGL[Val718Leu]DSLLYVIHTC

ClinVar aggregate classification (germline): Uncertain significance (1 of 4 stars; one submission).

Submission:

Ambry Genetics
Classification: Uncertain significance. Last evaluated: 2026-03-12. Review status: criteria provided, single submitter. Criteria: Ambry Variant Classification Scheme 2023. Collection method: clinical testing. Allele origin: germline.
Comment: The p.V718L variant (also known as c.2152G>T), located in coding exon 12 of the PKP4 gene, results from a G to T substitution at nucleotide position 2152. The valine at codon 718 is replaced by leucine, an amino acid with highly similar properties. This amino acid position is conserved. In addition, this alteration is predicted to be tolerated by in silico analysis. Based on the available evidence, the clinical significance of this variant remains unclear.